The following is an entry in ClinVar:

ClinVar aggregate classification (germline): Uncertain significance (1 of 4 stars; one submission).

Allele frequency attached by ClinVar (database versions not stated): ExAC 0.00001; gnomAD 0.00001; gnomAD exomes 0.00002; TOPMed 0.00002.
gnomAD v4.1: 15 of 1,607,264 alleles (0.00093%); highest among the groups gnomAD compares: South Asian, 0.0022%; no homozygotes.

Submission:

Labcorp Genetics (formerly Invitae), Labcorp
Classification: Uncertain significance. Last evaluated: 2022-11-08. Review status: criteria provided, single submitter. Criteria: Invitae Variant Classification Sherloc (09022015). Collection method: clinical testing. Allele origin: germline.
Comment: Variants that disrupt the consensus splice site are a relatively common cause of aberrant splicing (PMID: 17576681, 9536098). Algorithms developed to predict the effect of sequence changes on RNA splicing suggest that this variant may disrupt the consensus splice site. ClinVar contains an entry for this variant (Variation ID: 1464023). This variant has not been reported in the literature in individuals affected with MME-related conditions. In summary, the available evidence is currently insufficient to determine the role of this variant in disease. Therefore, it has been classified as a Variant of Uncertain Significance. This sequence change falls in intron 22 of the MME gene. It does not directly change the encoded amino acid sequence of the MME protein. It affects a nucleotide within the consensus splice site. This variant is present in population databases (rs745620432, gnomAD 0.007%).

Literature cited by the submitters: PubMed 17576681; PubMed 9536098.

NM_007289.4(MME):c.2153+4C>T

Gene: MME (membrane metalloendopeptidase; plus strand). Cytogenetic location: 3q25.2.
Variant type: single nucleotide variant.
Coding change: c.2153+4C>T on transcript NM_007289.4 (MANE Select); 4 bases into the intron after coding-DNA position 2153, C replaced by T.
Molecular consequence: intron variant.
Genome position (GRCh38, 1-based): chr3:155,172,616, C>T. VCF-style: chr3-155172616-C-T. GRCh37 (hg19) VCF-style: chr3-154890405-C-T.
Other names: c.2153+4C>T (NM_001354642.2, NM_000902.5, NM_007287.4 and 2 more transcripts).
Identifiers: ClinVar variation 1464023 (VCV001464023.6), dbSNP rs745620432, ClinGen allele CA2675760.